The following is an entry in ClinVar:

ClinVar aggregate classification (germline): Conflicting classifications of pathogenicity. Review status: criteria provided, conflicting classifications (1 of 4 stars). 2 submissions from 2 submitters: Uncertain significance (1); Likely benign (1). Last evaluated 2025-08-19.

Conditions:
Inborn genetic diseases. Identifiers: MedGen C0950123, MeSH D030342.

gnomAD v4.1: 9 of 1,614,034 alleles (0.00056%); highest among the groups gnomAD compares: Non-Finnish European, 0.00068%; no homozygotes.

Submissions (2):

Ambry Genetics
Classification: Likely benign for Inborn genetic diseases. Last evaluated: 2025-08-19. Review status: criteria provided, single submitter. Criteria: Ambry Variant Classification Scheme 2023. Collection method: clinical testing. Allele origin: germline.

Labcorp Genetics (formerly Invitae), Labcorp
Classification: Uncertain significance. Last evaluated: 2025-04-11. Review status: criteria provided, single submitter. Criteria: Invitae Variant Classification Sherloc (09022015). Collection method: clinical testing. Allele origin: germline.
Comment: This sequence change replaces serine, which is neutral and polar, with proline, which is neutral and non-polar, at codon 160 of the ANKRD26 protein (p.Ser160Pro). This variant is present in population databases (rs776883731, gnomAD 0.006%). This variant has not been reported in the literature in individuals affected with ANKRD26-related conditions. An algorithm developed to predict the effect of missense changes on protein structure and function outputs the following: PolyPhen-2: "Benign". The proline amino acid residue is found in multiple mammalian species, which suggests that this missense change does not adversely affect protein function. In summary, the available evidence is currently insufficient to determine the role of this variant in disease. Therefore, it has been classified as a Variant of Uncertain Significance.

NM_014915.3(ANKRD26):c.478T>C (p.Ser160Pro)

Gene: ANKRD26 (ankyrin repeat domain 26; minus strand). Cytogenetic location: 10p12.1.
Variant type: single nucleotide variant.
Coding change: c.478T>C on transcript NM_014915.3 (MANE Select); coding-DNA position 478, T replaced by C.
Protein change: p.Ser160Pro; replaces serine 160 with proline.
Molecular consequence: missense variant.
Genome position (GRCh38, 1-based): chr10:27,093,402, A>G on the plus strand (T>C on the coding strand, the complement: ANKRD26 is on the minus strand). VCF-style: chr10-27093402-A-G. GRCh37 (hg19) VCF-style: chr10-27382331-A-G.
Other names: c.478T>C, p.Ser160Pro (NM_001256053.2); short protein forms S160P.
Identifiers: ClinVar variation 3870137 (VCV003870137.3).